The following is an entry in ClinVar:

ClinVar aggregate classification (germline): Uncertain significance. Review status: criteria provided, multiple submitters, no conflicts (2 of 4 stars). 2 submissions from 2 submitters: Uncertain significance (2). Last evaluated 2025-03-03.

Conditions:
Lethal multiple pterygium syndrome (LMPS). Identifiers: Orphanet 33108, MedGen C1854678, MONDO:0009668, OMIM 253290.
Inborn genetic diseases. Identifiers: MedGen C0950123, MeSH D030342.

Allele frequency attached by ClinVar (database versions not stated): gnomAD exomes 0.00001; ExAC 0.00002; gnomAD 0.00006; ESP Exome Variant Server 0.00008; TOPMed 0.00008.

Submissions (2):

Ambry Genetics
Classification: Uncertain significance for Inborn genetic diseases. Last evaluated: 2025-03-03. Review status: criteria provided, single submitter. Criteria: Ambry Variant Classification Scheme 2023. Collection method: clinical testing. Allele origin: germline.

Labcorp Genetics (formerly Invitae), Labcorp
Classification: Uncertain significance for Lethal multiple pterygium syndrome. Last evaluated: 2024-02-05. Review status: criteria provided, single submitter. Criteria: Invitae Variant Classification Sherloc (09022015). Collection method: clinical testing. Allele origin: germline.
Comment: This sequence change replaces lysine, which is basic and polar, with arginine, which is basic and polar, at codon 400 of the CHRNA1 protein (p.Lys400Arg). This variant is present in population databases (rs137916282, gnomAD 0.01%). This variant has not been reported in the literature in individuals affected with CHRNA1-related conditions. ClinVar contains an entry for this variant (Variation ID: 534527). Advanced modeling of protein sequence and biophysical properties (such as structural, functional, and spatial information, amino acid conservation, physicochemical variation, residue mobility, and thermodynamic stability) performed at Invitae indicates that this missense variant is not expected to disrupt CHRNA1 protein function with a negative predictive value of 80%. Algorithms developed to predict the effect of sequence changes on RNA splicing suggest that this variant may create or strengthen a splice site. In summary, the available evidence is currently insufficient to determine the role of this variant in disease. Therefore, it has been classified as a Variant of Uncertain Significance.

NM_000079.4(CHRNA1):c.1199A>G (p.Lys400Arg)

Gene: CHRNA1 (cholinergic receptor nicotinic alpha 1 subunit; minus strand). Cytogenetic location: 2q31.1.
Variant type: single nucleotide variant.
Coding change: c.1199A>G on transcript NM_000079.4 (MANE Select); coding-DNA position 1199, A replaced by G.
Protein change: p.Lys400Arg; replaces lysine 400 with arginine.
Molecular consequence: missense variant.
Genome position (GRCh38, 1-based): chr2:174,748,623, T>C on the plus strand (A>G on the coding strand, the complement: CHRNA1 is on the minus strand). VCF-style: chr2-174748623-T-C. GRCh37 (hg19) VCF-style: chr2-175613351-T-C.
Other names: c.1274A>G, p.Lys425Arg (NM_001039523.3); short protein forms K425R, K400R.
Identifiers: ClinVar variation 534527 (VCV000534527.7), dbSNP rs137916282, ClinGen allele CA1974346.